The following is an entry in ClinVar:

ClinVar aggregate classification (germline): Pathogenic (1 of 4 stars; one submission).

Conditions:
MHC class II deficiency. Also called: BLS, TYPE II; Bare lymphocyte syndrome 2. Identifiers: Orphanet 572, MedGen C5447452, MONDO:0008855.

Submission:

Labcorp Genetics (formerly Invitae), Labcorp
Classification: Pathogenic for MHC class II deficiency. Last evaluated: 2024-04-17. Review status: criteria provided, single submitter. Criteria: Invitae Variant Classification Sherloc (09022015). Collection method: clinical testing. Allele origin: germline.
Comment: This sequence change creates a premature translational stop signal (p.Gly120Alafs*18) in the RFXAP gene. It is expected to result in an absent or disrupted protein product. Loss-of-function variants in RFXAP are known to be pathogenic (PMID: 9118943, 22390233). This variant is not present in population databases (gnomAD no frequency). This variant has not been reported in the literature in individuals affected with RFXAP-related conditions. ClinVar contains an entry for this variant (Variation ID: 1459705). For these reasons, this variant has been classified as Pathogenic.

Literature cited by the submitters: PubMed 9118943; PubMed 22390233.

NM_000538.4(RFXAP):c.359del (p.Gly120fs)

Gene: RFXAP (regulatory factor X associated protein; plus strand). Cytogenetic location: 13q13.3.
Variant type: Deletion.
Coding change: c.359del on transcript NM_000538.4 (MANE Select); coding-DNA position 359, one base deleted (G; older notation c.359delG).
Protein change: p.Gly120fs; shifts the reading frame from glycine 120.
Molecular consequence: frameshift variant.
Genome position (GRCh38, 1-based): chr13:36,819,716, G deleted; the last of 6 consecutive G bases (chr13:36,819,711-36,819,716); deleting any one gives the same sequence. VCF-style (leftmost placement, unchanged base first): chr13-36819710-CG-C. GRCh37 (hg19) VCF-style: chr13-37393847-CG-C.
Other names: short protein forms G120fs.
Identifiers: ClinVar variation 1459705 (VCV001459705.5), dbSNP rs1224857205, ClinGen allele CA483425019.